The following is an entry in ClinVar:

NM_017636.4(TRPM4):c.2830T>A (p.Tyr944Asn)

Gene: TRPM4 (transient receptor potential cation channel subfamily M member 4; plus strand). Cytogenetic location: 19q13.33.
Variant type: single nucleotide variant.
Coding change: c.2830T>A on transcript NM_017636.4 (MANE Select); coding-DNA position 2830, T replaced by A.
Protein change: p.Tyr944Asn; replaces tyrosine 944 with asparagine.
Molecular consequence: missense variant.
Genome position (GRCh38, 1-based): chr19:49,200,662, T>A. VCF-style: chr19-49200662-T-A. GRCh37 (hg19) VCF-style: chr19-49703919-T-A.
Other names: c.2395T>A, p.Tyr799Asn (NM_001195227.2); c.2485T>A, p.Tyr829Asn (NM_001321281.2); c.1222T>A, p.Tyr408Asn (NM_001321282.2); c.2308T>A, p.Tyr770Asn (NM_001321283.2); c.1768T>A, p.Tyr590Asn (NM_001321285.2); short protein forms Y944N, Y408N, Y590N, Y770N, Y799N, Y829N.
Identifiers: ClinVar variation 1796592 (VCV001796592.4), dbSNP rs1968890413, ClinGen allele CA406811782.

ClinVar aggregate classification (germline): Uncertain significance. Review status: criteria provided, multiple submitters, no conflicts (2 of 4 stars). 2 submissions from 2 submitters: Uncertain significance (2). Last evaluated 2025-11-05.

Conditions:
Cardiovascular phenotype. Identifiers: MedGen CN230736.
Progressive familial heart block type IB (PFHB1B). Identifiers: Orphanet 871, MedGen C1970298, MONDO:0011474, OMIM 604559.

Submissions (2):

Labcorp Genetics (formerly Invitae), Labcorp
Classification: Uncertain significance for Progressive familial heart block type IB. Last evaluated: 2025-11-05. Review status: criteria provided, single submitter. Criteria: Invitae Variant Classification Sherloc (09022015). Collection method: clinical testing. Allele origin: germline.
Comment: This sequence change replaces tyrosine, which is neutral and polar, with asparagine, which is neutral and polar, at codon 944 of the TRPM4 protein (p.Tyr944Asn). This variant is not present in population databases (gnomAD no frequency). This variant has not been reported in the literature in individuals affected with TRPM4-related conditions. ClinVar contains an entry for this variant (Variation ID: 1796592). An algorithm developed to predict the effect of missense changes on protein structure and function (PolyPhen-2) suggests that this variant is likely to be disruptive. In summary, the available evidence is currently insufficient to determine the role of this variant in disease. Therefore, it has been classified as a Variant of Uncertain Significance.

Ambry Genetics
Classification: Uncertain significance for Cardiovascular phenotype. Last evaluated: 2022-11-27. Review status: criteria provided, single submitter. Criteria: Ambry Variant Classification Scheme 2023. Collection method: clinical testing. Allele origin: germline.
Comment: The p.Y944N variant (also known as c.2830T>A), located in coding exon 19 of the TRPM4 gene, results from a T to A substitution at nucleotide position 2830. The tyrosine at codon 944 is replaced by asparagine, an amino acid with dissimilar properties. This amino acid position is well conserved in available vertebrate species. In addition, this alteration is predicted to be deleterious by in silico analysis. Since supporting evidence is limited at this time, the clinical significance of this alteration remains unclear.